The following is an entry in ClinVar:

NM_015973.5(GAL):c.137-2A>G

Gene: GAL (galanin and GMAP prepropeptide; plus strand). Cytogenetic location: 11q13.2.
Variant type: single nucleotide variant.
Coding change: c.137-2A>G on transcript NM_015973.5 (MANE Select); the canonical splice acceptor site of the intron before coding-DNA position 137, A replaced by G.
Molecular consequence: splice acceptor variant.
Genome position (GRCh38, 1-based): chr11:68,688,012, A>G. VCF-style: chr11-68688012-A-G. GRCh37 (hg19) VCF-style: chr11-68455480-A-G.
Identifiers: ClinVar variation 578366 (VCV000578366.8), dbSNP rs762777313, ClinGen allele CA6151459.

ClinVar aggregate classification (germline): Uncertain significance (1 of 4 stars; one submission).

Conditions:
Familial temporal lobe epilepsy 8. Identifiers: Orphanet 101046, MedGen C4225318, MONDO:0014650, OMIM 616461.

Allele frequency attached by ClinVar (database versions not stated): gnomAD exomes below 0.00001 and 0.00002; ExAC 0.00003; TOPMed 0.00007; gnomAD 0.00008 and 0.00009.
gnomAD v4.1: 15 of 1,602,724 alleles (0.00094%); highest among the groups gnomAD compares: African/African-American, 0.015%; no homozygotes.

Submission:

Labcorp Genetics (formerly Invitae), Labcorp
Classification: Uncertain significance for Familial temporal lobe epilepsy 8. Last evaluated: 2018-08-03. Review status: criteria provided, single submitter. Criteria: Invitae Variant Classification Sherloc (09022015). Collection method: clinical testing. Allele origin: germline.
Comment: This sequence change affects an acceptor splice site in intron 3 of the GAL gene. It is expected to disrupt RNA splicing and likely results in an absent or disrupted protein product. This variant is present in population databases (rs762777313, ExAC 0.04%). This variant has not been reported in the literature in individuals with GAL-related disease. Algorithms developed to predict the effect of sequence changes on RNA splicing suggest that this variant may disrupt the consensus splice site, but this prediction has not been confirmed by published transcriptional studies. The current clinical and genetic evidence is not sufficient to establish whether loss-of-function variants in GAL cause disease. In summary, the available evidence is currently insufficient to determine the role of this variant in disease. Therefore, it has been classified as a Variant of Uncertain Significance.